The following is an entry in ClinVar:

NM_001024845.3(SLC6A9):c.483C>T (p.Asp161=)

Gene: SLC6A9 (solute carrier family 6 member 9; minus strand). Cytogenetic location: 1p34.1.
Variant type: single nucleotide variant.
Coding change: c.483C>T on transcript NM_001024845.3 (MANE Select); coding-DNA position 483, C replaced by T.
Protein change: p.Asp161=; no amino-acid change (aspartic acid 161 retained).
Molecular consequence: synonymous variant. On other transcripts: non-coding transcript variant (1).
Genome position (GRCh38, 1-based): chr1:44,008,460, G>A on the plus strand (C>T on the coding strand, the complement: SLC6A9 is on the minus strand). VCF-style: chr1-44008460-G-A. GRCh37 (hg19) VCF-style: chr1-44474132-G-A.
Other names: c.495C>T, p.Asp165= (NM_001261380.2); c.150C>T, p.Asp50= (NM_001328626.2, NM_001328630.2); c.420C>T, p.Asp140= (NM_001328627.1); c.288C>T, p.Asp96= (NM_001328628.1); c.483C>T, p.Asp161= (NM_001328629.1); c.540C>T, p.Asp180= (NM_006934.4); c.702C>T, p.Asp234= (NM_201649.4).
Identifiers: ClinVar variation 2638765 (VCV002638765.24), dbSNP rs929225398, ClinGen allele CA21719451.

ClinVar aggregate classification (germline): Likely benign (1 of 4 stars; one submission).

Allele frequency attached by ClinVar (database versions not stated): gnomAD 0.00001; gnomAD exomes 0.00001; TOPMed 0.00001.
gnomAD v4.1: 24 of 1,614,054 alleles (0.0015%); highest among the groups gnomAD compares: South Asian, 0.0044%; no homozygotes.

Submission:

CeGaT Center for Human Genetics Tuebingen
Classification: Likely benign. Last evaluated: 2025-11-01. Review status: criteria provided, single submitter. Criteria: CeGaT Center For Human Genetics Tuebingen Variant Classification Criteria Version 2. Collection method: clinical testing. Allele origin: germline. Affected: yes. Observed: 2 variant alleles.
Comment: SLC6A9: BP4, BP7